The following is an entry in ClinVar:

ClinVar aggregate classification (germline): Uncertain significance (1 of 4 stars; one submission).

Allele frequency attached by ClinVar (database versions not stated): gnomAD exomes 0.00001 and 0.00002; TOPMed 0.00001; ExAC 0.00002.

Submission:

Labcorp Genetics (formerly Invitae), Labcorp
Classification: Uncertain significance. Last evaluated: 2024-10-24. Review status: criteria provided, single submitter. Criteria: Invitae Variant Classification Sherloc (09022015). Collection method: clinical testing. Allele origin: germline.
Comment: This sequence change replaces asparagine, which is neutral and polar, with tyrosine, which is neutral and polar, at codon 71 of the COQ8A protein (p.Asn71Tyr). This variant is present in population databases (rs779601942, gnomAD 0.02%). This variant has not been reported in the literature in individuals affected with COQ8A-related conditions. ClinVar contains an entry for this variant (Variation ID: 1359760). Invitae Evidence Modeling of protein sequence and biophysical properties (such as structural, functional, and spatial information, amino acid conservation, physicochemical variation, residue mobility, and thermodynamic stability) indicates that this missense variant is not expected to disrupt COQ8A protein function with a negative predictive value of 95%. In summary, the available evidence is currently insufficient to determine the role of this variant in disease. Therefore, it has been classified as a Variant of Uncertain Significance.

NM_020247.5(COQ8A):c.211A>T (p.Asn71Tyr)

Gene: COQ8A (coenzyme Q8A; plus strand). Cytogenetic location: 1q42.13.
Variant type: single nucleotide variant.
Coding change: c.211A>T on transcript NM_020247.5 (MANE Select); coding-DNA position 211, A replaced by T.
Protein change: p.Asn71Tyr; replaces asparagine 71 with tyrosine.
Molecular consequence: missense variant.
Genome position (GRCh38, 1-based): chr1:226,965,033, A>T. VCF-style: chr1-226965033-A-T. GRCh37 (hg19) VCF-style: chr1-227152734-A-T.
Other names: short protein forms N71Y.
Identifiers: ClinVar variation 1359760 (VCV001359760.5), dbSNP rs779601942, ClinGen allele CA1424962.